The following is an entry in ClinVar:

ClinVar aggregate classification (germline): Likely pathogenic (1 of 4 stars; one submission).

Submission:

Labcorp Genetics (formerly Invitae), Labcorp
Classification: Likely pathogenic. Last evaluated: 2023-06-16. Review status: criteria provided, single submitter. Criteria: Invitae Variant Classification Sherloc (09022015). Collection method: clinical testing. Allele origin: germline.
Comment: This variant is not present in population databases (gnomAD no frequency). This variant has not been reported in the literature in individuals affected with CDH23-related conditions. Algorithms developed to predict the effect of sequence changes on RNA splicing suggest that this variant may disrupt the consensus splice site. In summary, the currently available evidence indicates that the variant is pathogenic, but additional data are needed to prove that conclusively. Therefore, this variant has been classified as Likely Pathogenic. This sequence change affects an acceptor splice site in intron 42 of the CDH23 gene. It is expected to disrupt RNA splicing. Variants that disrupt the donor or acceptor splice site typically lead to a loss of protein function (PMID: 16199547), and loss-of-function variants in CDH23 are known to be pathogenic (PMID: 11138009, 21940737).

Literature cited by the submitters: PubMed 16199547; PubMed 11138009; PubMed 21940737.

NM_022124.6(CDH23):c.5503-1G>T

Gene: CDH23 (cadherin related 23; plus strand). Cytogenetic location: 10q22.1.
Variant type: single nucleotide variant.
Coding change: c.5503-1G>T on transcript NM_022124.6 (MANE Select); the canonical splice acceptor site of the intron before coding-DNA position 5503, G replaced by T.
Molecular consequence: splice acceptor variant.
Genome position (GRCh38, 1-based): chr10:71,784,890, G>T. VCF-style: chr10-71784890-G-T. GRCh37 (hg19) VCF-style: chr10-73544647-G-T.
Identifiers: ClinVar variation 2717231 (VCV002717231.3), dbSNP rs2494359243, ClinGen allele CA377146192.